The following is an entry in ClinVar:

NM_002168.4(IDH2):c.207+5T>C

Gene: IDH2 (isocitrate dehydrogenase (NADP(+)) 2; minus strand). Cytogenetic location: 15q26.1.
Variant type: single nucleotide variant.
Coding change: c.207+5T>C on transcript NM_002168.4 (MANE Select); 5 bases into the intron after coding-DNA position 207, T replaced by C.
Molecular consequence: intron variant.
Genome position (GRCh38, 1-based): chr15:90,091,548, A>G on the plus strand (T>C on the coding strand, the complement: IDH2 is on the minus strand). VCF-style: chr15-90091548-A-G. GRCh37 (hg19) VCF-style: chr15-90634780-A-G.
Other names: c.-17-2801T>C (NM_001290114.2); c.51+5T>C (NM_001289910.1).
Identifiers: ClinVar variation 930818 (VCV000930818.3), dbSNP rs1901036129, ClinGen allele CA1139664144.

ClinVar aggregate classification (germline): Uncertain significance (1 of 4 stars; one submission).

Conditions:
D-2-hydroxyglutaric aciduria 2 (D2HGA2). Identifiers: Orphanet 79315, MedGen C3150909, MONDO:0013345, OMIM 613657.

Allele frequency attached by ClinVar (database versions not stated): gnomAD exomes below 0.00001.
gnomAD v4.1: 1 of 1,612,476 alleles (0.000062%); highest among the groups gnomAD compares: Non-Finnish European, 0.000085%; no homozygotes.

Submission:

Centre for Mendelian Genomics, University Medical Centre Ljubljana
Classification: Uncertain significance for D-2-hydroxyglutaric aciduria 2. Last evaluated: 2019-10-15. Review status: criteria provided, single submitter. Criteria: ACMG Guidelines, 2015. Collection method: clinical testing. Allele origin: unknown. Affected: yes.
Comment: This variant was classified as: Uncertain significance. The available evidence on this variant's pathogenicity is insufficient or conflicting. The following ACMG criteria were applied in classifying this variant: PM2,BP4.